The following is an entry in ClinVar:

NM_001388492.1(HTT):c.9211G>A (p.Ala3071Thr)

Gene: HTT (huntingtin; plus strand). Cytogenetic location: 4p16.3.
Variant type: single nucleotide variant.
Coding change: c.9211G>A on transcript NM_001388492.1 (MANE Select); coding-DNA position 9211, G replaced by A.
Protein change: p.Ala3071Thr; replaces alanine 3071 with threonine.
Molecular consequence: missense variant.
Genome position (GRCh38, 1-based): chr4:3,238,974, G>A. VCF-style: chr4-3238974-G-A. GRCh37 (hg19) VCF-style: chr4-3240701-G-A.
Other names: c.9217G>A, p.Ala3073Thr (NM_002111.8); short protein forms A3073T, A3071T.
Identifiers: ClinVar variation 1443324 (VCV001443324.6), dbSNP rs1407846301, ClinGen allele CA356078832.

ClinVar aggregate classification (germline): Uncertain significance (1 of 4 stars; one submission).

Allele frequency attached by ClinVar (database versions not stated): TOPMed below 0.00001; gnomAD 0.00001.

Submission:

Labcorp Genetics (formerly Invitae), Labcorp
Classification: Uncertain significance. Last evaluated: 2021-02-22. Review status: criteria provided, single submitter. Criteria: Invitae Variant Classification Sherloc (09022015). Collection method: clinical testing. Allele origin: germline.
Comment: Experimental studies and prediction algorithms are not available or were not evaluated, and the functional significance of this variant is currently unknown. This sequence change replaces alanine with threonine at codon 3073 of the HTT protein (p.Ala3073Thr). The alanine residue is moderately conserved and there is a small physicochemical difference between alanine and threonine. This variant is not present in population databases (ExAC no frequency). This variant has not been reported in the literature in individuals with HTT-related conditions. In summary, the available evidence is currently insufficient to determine the role of this variant in disease. Therefore, it has been classified as a Variant of Uncertain Significance.